The following is an entry in ClinVar:

NM_024529.5(CDC73):c.152C>T (p.Pro51Leu)

Gene: CDC73 (cell division cycle 73; plus strand). Cytogenetic location: 1q31.2.
Variant type: single nucleotide variant.
Coding change: c.152C>T on transcript NM_024529.5 (MANE Select); coding-DNA position 152, C replaced by T.
Protein change: p.Pro51Leu; replaces proline 51 with leucine.
Molecular consequence: missense variant.
Genome position (GRCh38, 1-based): chr1:193,125,132, C>T. VCF-style: chr1-193125132-C-T. GRCh37 (hg19) VCF-style: chr1-193094262-C-T.
Other names: short protein forms P51L.
Identifiers: ClinVar variation 4741707 (VCV004741707.1).

ClinVar aggregate classification (germline): Uncertain significance (1 of 4 stars; one submission).

Conditions:
Parathyroid carcinoma (PRTC). Also called: CDC73-Related Parathyroid Carcinoma; Parathyroid gland carcinoma. Identifiers: Orphanet 143, MedGen C0687150, MONDO:0012004, OMIM 608266, HP:0006780.

Submission:

Labcorp Genetics (formerly Invitae), Labcorp
Classification: Uncertain significance for Parathyroid carcinoma. Last evaluated: 2025-11-03. Review status: criteria provided, single submitter. Criteria: Invitae Variant Classification Sherloc (09022015). Collection method: clinical testing. Allele origin: germline.
Comment: This sequence change replaces proline, which is neutral and non-polar, with leucine, which is neutral and non-polar, at codon 51 of the CDC73 protein (p.Pro51Leu). This variant is not present in population databases (gnomAD no frequency). This variant has not been reported in the literature in individuals affected with CDC73-related conditions. Invitae Evidence Modeling of protein sequence and biophysical properties (such as structural, functional, and spatial information, amino acid conservation, physicochemical variation, residue mobility, and thermodynamic stability) indicates that this missense variant is not expected to disrupt CDC73 protein function with a negative predictive value of 80%. In summary, the available evidence is currently insufficient to determine the role of this variant in disease. Therefore, it has been classified as a Variant of Uncertain Significance.